The following is an entry in ClinVar:

ClinVar aggregate classification (germline): Uncertain significance. Review status: criteria provided, multiple submitters, no conflicts (2 of 4 stars). 12 submissions from 12 submitters: Uncertain significance (10). 2 of the submissions do not count toward it. Last evaluated 2026-01-01.

Conditions:
VHL-related disorder. Also called: VHL-related condition.
Chuvash polycythemia. Also called: POLYCYTHEMIA, VHL-DEPENDENT. Identifiers: Orphanet 238557, MedGen C1837915, MONDO:0009892, OMIM 263400.
Von Hippel-Lindau syndrome (VHLS). Also called: von Hippel–Lindau syndrome; Von Hippel-Lindau; VHL syndrome. Identifiers: Orphanet 892, MedGen C0019562, MONDO:0008667, OMIM 193300. Disease mechanism: loss of function.
Polycythemia. Also called: Polycythemia (disease); Polycythaemia. Identifiers: Orphanet 98427, MedGen C0032461, MONDO:0005571, HP:0001901.
Hereditary cancer-predisposing syndrome. Also called: Tumor predisposition; Neoplastic Syndromes, Hereditary; Hereditary neoplastic syndrome; Hereditary Cancer Syndrome. Identifiers: Orphanet 140162, MedGen C0027672, MeSH D009386, MONDO:0015356.

Allele frequency attached by ClinVar (database versions not stated): ExAC below 0.00001; gnomAD 0.00001; gnomAD exomes 0.00001 and 0.00002; TOPMed 0.00002; ESP Exome Variant Server 0.00008.

Submissions (12):

CeGaT Center for Human Genetics Tuebingen
Classification: Uncertain significance. Last evaluated: 2026-01-01. Review status: criteria provided, single submitter. Criteria: CeGaT Center For Human Genetics Tuebingen Variant Classification Criteria Version 2. Collection method: clinical testing. Allele origin: germline. Affected: yes. Observed: 1 variant allele.
Comment: VHL: PM5, PM2:Supporting, PP3

Labcorp Genetics (formerly Invitae), Labcorp
Classification: Uncertain significance for Von Hippel-Lindau syndrome; Chuvash polycythemia. Last evaluated: 2024-12-25. Review status: criteria provided, single submitter. Criteria: Invitae Variant Classification Sherloc (09022015). Collection method: clinical testing. Allele origin: germline.
Comment: This sequence change replaces arginine, which is basic and polar, with cysteine, which is neutral and slightly polar, at codon 79 of the VHL protein (p.Arg79Cys). This variant is present in population databases (rs200885420, gnomAD 0.04%). This missense change has been observed in individual(s) with congenital polycythemia (PMID: 15642680). ClinVar contains an entry for this variant (Variation ID: 161400). Invitae Evidence Modeling of protein sequence and biophysical properties (such as structural, functional, and spatial information, amino acid conservation, physicochemical variation, residue mobility, and thermodynamic stability) indicates that this missense variant is expected to disrupt VHL protein function with a positive predictive value of 95%. In summary, the available evidence is currently insufficient to determine the role of this variant in disease. Therefore, it has been classified as a Variant of Uncertain Significance.

Blueprint Genetics
Classification: Uncertain significance. Last evaluated: 2024-10-24. Review status: criteria provided, single submitter. Criteria: ACMG Guidelines, 2015. Collection method: clinical testing. Allele origin: germline.

Ambry Genetics
Classification: Uncertain significance for Hereditary cancer-predisposing syndrome. Last evaluated: 2024-04-22. Review status: criteria provided, single submitter. Criteria: Ambry Variant Classification Scheme 2023. Collection method: clinical testing. Allele origin: germline.
Comment: The p.R79C variant (also known as c.235C>T), located in coding exon 1 of the VHL gene, results from a C to T substitution at nucleotide position 235. The arginine at codon 79 is replaced by cysteine, an amino acid with highly dissimilar properties. This alteration has been reported in the compound heterozygous state with another alteration in VHL in a patient with congenital polycythemia (Bento MC et al. Haematologica, 2005 Jan;90:128-9). This alteration has also been reported as a likely benign variant in an exome cohort, but clinical history was not provided (Amendola LM et al. Genome Res., 2015 Mar;25:305-15). This amino acid position is well conserved in available vertebrate species. In addition, this alteration is predicted to be deleterious by in silico analysis. Since supporting evidence is limited at this time, the clinical significance of this alteration remains unclear.

Color Diagnostics, LLC DBA Color Health
Classification: Uncertain significance for Von Hippel-Lindau syndrome. Last evaluated: 2024-04-03. Review status: criteria provided, single submitter. Criteria: ACMG Guidelines, 2015. Collection method: clinical testing. Allele origin: germline.
Comment: This missense variant replaces arginine with cysteine at codon 79 of the VHL protein. Computational prediction suggests that this variant may have deleterious impact on protein structure and function. To our knowledge, functional studies have not been reported for this variant. This variant has been reported in a compound heterozygous state in an individual affected with congenital polycythemia (PMID: 15642680). This variant has been identified in 5/230680 chromosomes in the general population by the Genome Aggregation Database (gnomAD). The available evidence is insufficient to determine the role of this variant in disease conclusively. Therefore, this variant is classified as a Variant of Uncertain Significance.

Baylor Genetics
Classification: Uncertain significance for Chuvash polycythemia. Last evaluated: 2023-12-18. Review status: criteria provided, single submitter. Criteria: ACMG Guidelines, 2015. Collection method: clinical testing. Allele origin: unknown.

All of Us Research Program, National Institutes of Health
Classification: Uncertain significance for Von Hippel-Lindau syndrome. Last evaluated: 2023-11-30. Review status: criteria provided, single submitter. Criteria: ACMG Guidelines, 2015. Collection method: clinical testing. Allele origin: germline. Inheritance: Autosomal dominant inheritance. Observed: 2 variant alleles, 2 heterozygotes.
Comment: This study involves interpretation of variants in research participants for the purpose of population health screening. Participant phenotype was not available at the time of variant classification. Additional details can be found in publication PMID: 35346344, PMCID: PMC8962531

GeneDx
Classification: Uncertain significance. Last evaluated: 2023-05-30. Review status: criteria provided, single submitter. Criteria: GeneDx Variant Classification Process June 2021. Collection method: clinical testing. Allele origin: germline. Affected: yes.
Comment: Identified in the compound heterozygous state in an individual with congenital polycythemia (Bento et al., 2005); Not observed at significant frequency in large population cohorts (gnomAD); In silico analysis supports that this missense variant has a deleterious effect on protein structure/function; Also known as c.448C>T; p.R150C. p.R120C; This variant is associated with the following publications: (PMID: 16210343, 25637381, 18538455, 17454194, 27651169, 23178531, 19295544, 20151405, 24729484, 23538339, 15642680)

Mendelics
Classification: Uncertain significance for Von Hippel-Lindau syndrome. Last evaluated: 2023-04-11. Review status: criteria provided, single submitter. Criteria: Mendelics Assertion Criteria 2017. Collection method: clinical testing. Allele origin: unknown.

PreventionGenetics, part of Exact Sciences
Classification: Uncertain significance for VHL-related condition. Last evaluated: 2022-12-14. Review status: criteria provided, single submitter. Criteria: ACMG Guidelines, 2015. Collection method: clinical testing. Allele origin: germline.
Comment: The VHL c.235C>T variant is predicted to result in the amino acid substitution p.Arg79Cys. This variant has been reported in the compound heterozygous state in an individual with congenital polycythemia (Bento et al. 2005. PubMed ID: 15642680). This variant is reported in 0.052% of alleles in individuals of Ashkenazi Jewish descent in gnomAD. In ClinVar, this variant has conflicting interpretations of benign, likely benign, and uncertain significance. At this time, the clinical significance of this variant is uncertain due to the absence of conclusive functional and genetic evidence.

Counsyl
Classification: Uncertain significance for Von Hippel-Lindau syndrome. Last evaluated: 2016-06-24. Review status: no assertion criteria provided. Collection method: clinical testing. Allele origin: unknown. Not counted in ClinVar's aggregate classification.

CSER _CC_NCGL, University of Washington
Classification: Likely benign for Polycythaemia. Last evaluated: 2014-06-01. Review status: no assertion criteria provided. Collection method: research. Allele origin: germline. Inheritance: Autosomal dominant inheritance. Study: ESP 6500 variant annotation. Not counted in ClinVar's aggregate classification.
Comment: Variants classified for the Actionable exomic incidental findings in 6503 participants: challenges of variant classification manuscript

Literature cited by the submitters: PubMed 15642680 (cited by 4 submitters); PubMed 25637381 (cited by Ambry Genetics).

NM_000551.4(VHL):c.235C>T (p.Arg79Cys)

Gene: VHL (von Hippel-Lindau tumor suppressor; plus strand). Cytogenetic location: 3p25.3.
Variant type: single nucleotide variant.
Coding change: c.235C>T on transcript NM_000551.4 (MANE Select); coding-DNA position 235, C replaced by T.
Protein change: p.Arg79Cys; replaces arginine 79 with cysteine.
Molecular consequence: missense variant.
Genome position (GRCh38, 1-based): chr3:10,142,082, C>T. VCF-style: chr3-10142082-C-T. GRCh37 (hg19) VCF-style: chr3-10183766-C-T.
Other names: c.235C>T, p.Arg79Cys (NM_001354723.2, NM_198156.3); short protein forms R79C.
Identifiers: ClinVar variation 161400 (VCV000161400.34), dbSNP rs200885420, ClinGen allele CA020136.